The following is an entry in ClinVar:

ClinVar aggregate classification (germline): Benign. Review status: criteria provided, multiple submitters, no conflicts (2 of 4 stars). 3 submissions from 3 submitters: Benign (2). 1 of the submissions does not count toward it. Last evaluated 2018-06-14.

Allele frequency attached by ClinVar (database versions not stated): ESP Exome Variant Server 0.01561; gnomAD 0.01670; TOPMed 0.02051; gnomAD exomes 0.03091; ExAC 0.03367; 1000 Genomes Project 30x 0.03904; 1000 Genomes Project 0.04133.
gnomAD v4.1: 41,171 of 1,604,024 alleles (2.6%); highest among the groups gnomAD compares: South Asian, 10%; 1,045 homozygotes.

Submissions (3):

GeneDx
Classification: Benign. Last evaluated: 2018-06-14. Review status: criteria provided, single submitter. Criteria: GeneDx Variant Classification (06012015). Collection method: clinical testing. Allele origin: germline. Affected: yes.
Comment: This variant is considered likely benign or benign based on one or more of the following criteria: it is a conservative change, it occurs at a poorly conserved position in the protein, it is predicted to be benign by multiple in silico algorithms, and/or has population frequency not consistent with disease.

Breakthrough Genomics
Classification: Benign. Review status: criteria provided, single submitter. Criteria: ACMG Guidelines, 2015. Collection method: not provided. Allele origin: germline. Inheritance: Autosomal recessive inheritance. Affected: yes.

Genetic Services Laboratory, University of Chicago
Classification: Likely benign. Review status: no assertion criteria provided. Collection method: clinical testing. Allele origin: germline. Inheritance: Autosomal recessive inheritance. Not counted in ClinVar's aggregate classification.
Comment: Likely benign based on allele frequency in 1000 Genomes Project or ESP global frequency and its presence in a patient with a rare or unrelated disease phenotype. NOT Sanger confirmed

NM_007254.4(PNKP):c.817-47C>T

Gene: PNKP (polynucleotide kinase 3'-phosphatase; minus strand). Cytogenetic location: 19q13.33.
Variant type: single nucleotide variant.
Coding change: c.817-47C>T on transcript NM_007254.4 (MANE Select); 47 bases into the intron before coding-DNA position 817, C replaced by T.
Molecular consequence: intron variant.
Genome position (GRCh38, 1-based): chr19:49,862,785, G>A on the plus strand (C>T on the coding strand, the complement: PNKP is on the minus strand). VCF-style: chr19-49862785-G-A. GRCh37 (hg19) VCF-style: chr19-50366042-G-A.
Identifiers: ClinVar variation 159801 (VCV000159801.7), dbSNP rs3739198, ClinGen allele CA173308.